The following is an entry in ClinVar:

ClinVar aggregate classification (germline): Uncertain significance (1 of 4 stars; one submission).

Conditions:
Pancreatic adenocarcinoma. Identifiers: MedGen C0281361, MONDO:0006047, HP:0006725.

Submission:

Labcorp Genetics (formerly Invitae), Labcorp
Classification: Uncertain significance for Pancreatic adenocarcinoma. Last evaluated: 2015-01-06. Review status: criteria provided, single submitter. Criteria: Invitae Variant Classification Sherloc (09022015). Collection method: clinical testing. Allele origin: germline.
Comment: This sequence change is a gross deletion of the genomic region encompassing exons 4-5 of the PALLD gene. This deletion variant has not been published in the literature and is not present in population databases. The relationship between PALLD and cancer was ascertained from the study of only one large, multigenerational family affected with familial pancreatic cancer, for which evidence of linkage has been obtained and only one missense variant was detected (PMID: 17194196). However, an association study of 85 cases vs. 555 controls observed the mutation in 1 case and 1 control suggesting lack of association (PMID: 17415588). Further studies of 48 individuals with familial pancreatic cancer also did not support PALLD as a cause of this condition (PMID: 19336541). In summary, because there is limited evidence indicating a relationship between PALLD and cancer, any novel variants are considered uncertain significance.

NM_001166110.1(PALLD):c.640-?_960+?del

Gene: PALLD (palladin, cytoskeletal associated protein; plus strand).
Variant type: Deletion.
Coding change: c.640-?_960+?del on transcript NM_001166110.1.
Identifiers: ClinVar variation 216538 (VCV000216538.1).